The following is an entry in ClinVar:

ClinVar aggregate classification (germline): Uncertain significance (1 of 4 stars; one submission).

Conditions:
Leukemia, acute lymphoblastic, susceptibility to, 3 (ALL3). Identifiers: MedGen C3809874, MONDO:0014241, OMIM 615545.

Allele frequency attached by ClinVar (database versions not stated): gnomAD 0.00001; gnomAD exomes 0.00001; ExAC 0.00002; TOPMed 0.00005; ESP Exome Variant Server 0.00008.
gnomAD v4.1: 20 of 1,612,878 alleles (0.0012%); highest among the groups gnomAD compares: Admixed American, 0.0067%; no homozygotes.

Submission:

St. Jude Molecular Pathology, St. Jude Children's Research Hospital
Classification: Uncertain significance for Leukemia, acute lymphoblastic, susceptibility to, 3. Last evaluated: 2023-02-27. Review status: criteria provided, single submitter. Criteria: St. Jude Assertion Criteria 2020. Collection method: clinical testing. Allele origin: germline.
Comment: The PAX5 c.887C>T (p.Pro296Leu) missense change has a maximum subpopulation frequency of 0.0018% in gnomAD v2.1.1. The in silico tool REVEL is inconclusive about a pathogenic or benign effect of this variant on protein function, and to our knowledge functional studies have not been performed. To our knowledge, this variant has not been reported in individuals with acute lymphoblastic leukemia. In summary, the evidence currently available is insufficient to determine the clinical significance of this variant. It has therefore been classified as of uncertain significance.

NM_016734.3(PAX5):c.887C>T (p.Pro296Leu)

Gene: PAX5 (paired box 5; minus strand). Cytogenetic location: 9p13.2.
Variant type: single nucleotide variant.
Coding change: c.887C>T on transcript NM_016734.3 (MANE Select); coding-DNA position 887, C replaced by T.
Protein change: p.Pro296Leu; replaces proline 296 with leucine.
Molecular consequence: missense variant. On other transcripts: intron variant (2).
Genome position (GRCh38, 1-based): chr9:36,923,378, G>A on the plus strand (C>T on the coding strand, the complement: PAX5 is on the minus strand). VCF-style: chr9-36923378-G-A. GRCh37 (hg19) VCF-style: chr9-36923375-G-A.
Other names: c.887C>T, p.Pro296Leu (NM_001280547.2, NM_001280548.2, NM_001280552.2); c.563C>T, p.Pro188Leu (NM_001280551.2, NM_001280556.2); c.758C>T, p.Pro253Leu (NM_001280553.2, NM_001280554.2); c.689C>T, p.Pro230Leu (NM_001280555.2); c.780+43171C>T (NM_001280550.2, NM_001280549.2); short protein forms P188L, P230L, P253L, P296L.
Identifiers: ClinVar variation 2444880 (VCV002444880.1), dbSNP rs376952815, ClinGen allele CA5058153.